The following is an entry in ClinVar:

ClinVar aggregate classification (germline): Pathogenic (1 of 4 stars; one submission).

Conditions:
Episodic ataxia type 2 (EA2). Also called: ATAXIA, EPISODIC, WITH NYSTAGMUS; ATAXIA, FAMILIAL PAROXYSMAL; CEREBELLAR ATAXIA, PAROXYSMAL, ACETAZOLAMIDE-RESPONSIVE; CEREBELLOPATHY, HEREDITARY PAROXYSMAL; EPISODIC ATAXIA, NYSTAGMUS-ASSOCIATED; ACETAZOLAMIDE-RESPONSIVE HEREDITARY PAROXYSMAL CEREBELLAR ATAXIA. Identifiers: Orphanet 97, MedGen C1720416, MONDO:0007163, OMIM 108500.
Developmental and epileptic encephalopathy, 42 (DEE42A). Also called: DEVELOPMENTAL AND EPILEPTIC ENCEPHALOPATHY 42A; EPILEPTIC ENCEPHALOPATHY, EARLY INFANTILE, 42A; Epileptic encephalopathy, early infantile, 42. Identifiers: MedGen C4310716, MONDO:0014917, OMIM 617106.

Submission:

Labcorp Genetics (formerly Invitae), Labcorp
Classification: Pathogenic for Developmental and epileptic encephalopathy, 42; Episodic ataxia type 2. Last evaluated: 2023-03-30. Review status: criteria provided, single submitter. Criteria: Invitae Variant Classification Sherloc (09022015). Collection method: clinical testing. Allele origin: unknown.
Comment: This variant is a gross deletion of the genomic region encompassing exon(s) 35-38 of the CACNA1A gene. This deletion is out-of-frame, and is expected to create a premature termination codon and result in an absent or disrupted protein product. Loss-of-function variants in CACNA1A are known to be pathogenic (PMID: 10371528, 19486177, 25735478, 27250579). For these reasons, this variant has been classified as Pathogenic. This variant has not been reported in the literature in individuals affected with CACNA1A-related conditions.

Literature cited by the submitters: PubMed 10371528; PubMed 19486177; PubMed 25735478; PubMed 27250579.

NC_000019.9:g.(?_13335461)_(13342694_?)del

Gene: CACNA1A (calcium voltage-gated channel subunit alpha1 A; minus strand). Cytogenetic location: 19p13.2.
Variant type: Deletion.
Identifiers: ClinVar variation 3248502 (VCV003248502.1).